The following is an entry in ClinVar:

NM_018406.7(MUC4):c.10635A>T (p.Val3545=)

Gene: MUC4 (mucin 4, cell surface associated). Cytogenetic location: 3q29.
Variant type: single nucleotide variant.
Coding change: c.10635A>T on transcript NM_018406.7 (MANE Select); coding-DNA position 10635, A replaced by T.
Protein change: p.Val3545=; no amino-acid change (valine 3545 retained).
Molecular consequence: synonymous variant. On other transcripts: no sequence alteration (1), genic upstream transcript variant (2).
Genome position (GRCh38, 1-based): chr3:195,780,945, T>A on the plus strand (A>T on the coding strand, the complement: MUC4 is on the minus strand). VCF-style: chr3-195780945-T-A. GRCh37 (hg19) VCF-style: chr3-195507816-T-A.
Other names: c.15405=, p.Ala5135= (NM_001322468.1); c.83-6640A>T (NM_138297.5); c.83-2490A>T (NM_004532.6).
Identifiers: ClinVar variation 2654419 (VCV002654419.24), dbSNP rs765920425, ClinGen allele CA438037469.

ClinVar aggregate classification (germline): Likely benign (1 of 4 stars; one submission).

Submission:

CeGaT Center for Human Genetics Tuebingen
Classification: Likely benign. Last evaluated: 2023-08-01. Review status: criteria provided, single submitter. Criteria: CeGaT Center For Human Genetics Tuebingen Variant Classification Criteria Version 2. Collection method: clinical testing. Allele origin: germline. Affected: yes. Observed: 1 variant allele.
Comment: MUC4: BP4, BP7